The following is an entry in ClinVar:

NM_001081550.2(THOC2):c.3995A>G (p.Lys1332Arg)

Gene: THOC2 (THO complex subunit 2; minus strand). Cytogenetic location: Xq25.
Variant type: single nucleotide variant.
Coding change: c.3995A>G on transcript NM_001081550.2 (MANE Select); coding-DNA position 3995, A replaced by G.
Protein change: p.Lys1332Arg; replaces lysine 1332 with arginine.
Molecular consequence: missense variant.
Genome position (GRCh38, 1-based): chrX:123,621,378, T>C on the plus strand (A>G on the coding strand, the complement: THOC2 is on the minus strand). VCF-style: chrX-123621378-T-C. GRCh37 (hg19) VCF-style: chrX-122755229-T-C.
Other names: short protein forms K1332R.
Identifiers: ClinVar variation 3371754 (VCV003371754.1).
Genomic context (GRCh38, chrX:123,621,378, plus strand): 5'-TTTGATTCTGCGTTGGGGACAGTGGTCTTAAATTTCTCATCTTTAGCTTTTTCTTCCTTC[T>C]TGAATTTTTCTTTCTCTTTGTCAGACTTCGGCGTTCTTTCCTTGGTCTCTCTTGCTTTTT-3'
Protein context (NP_001075019.1, residues 1322-1342): PKSDKEKEKF[Lys1332Arg]KEEKAKDEKF

ClinVar aggregate classification (germline): Uncertain significance (1 of 4 stars; one submission).

gnomAD v4.1: 1 of 1,211,520 alleles (0.000083%); highest among the groups gnomAD compares: Non-Finnish European, 0.00011%; no homozygotes.

Submission:

GeneDx
Classification: Uncertain significance. Last evaluated: 2024-03-27. Review status: criteria provided, single submitter. Criteria: GeneDx Variant Classification Process June 2021. Collection method: clinical testing. Allele origin: germline. Affected: yes.
Comment: Not observed at significant frequency in large population cohorts (gnomAD); In silico analysis supports that this missense variant does not alter protein structure/function; Has not been previously published as pathogenic or benign to our knowledge